The following is an entry in ClinVar:

NM_024809.5(TCTN2):c.239A>C (p.Asp80Ala)

Gene: TCTN2 (tectonic family member 2; plus strand). Cytogenetic location: 12q24.31.
Variant type: single nucleotide variant.
Coding change: c.239A>C on transcript NM_024809.5 (MANE Select); coding-DNA position 239, A replaced by C.
Protein change: p.Asp80Ala; replaces aspartic acid 80 with alanine.
Molecular consequence: missense variant.
Genome position (GRCh38, 1-based): chr12:123,672,104, A>C. VCF-style: chr12-123672104-A-C. GRCh37 (hg19) VCF-style: chr12-124156651-A-C.
Other names: c.239A>C, p.Asp80Ala (NM_001143850.3, NM_001410989.1); c.239A>C (NM_024809.3); short protein forms D80A.
Identifiers: ClinVar variation 2143925 (VCV002143925.3), dbSNP rs774095891, ClinGen allele CA6860825.

ClinVar aggregate classification (germline): Uncertain significance. Review status: criteria provided, multiple submitters, no conflicts (2 of 4 stars). 2 submissions from 2 submitters: Uncertain significance (2). Last evaluated 2025-08-22.

Conditions:
Joubert syndrome. Also called: CEREBELLOPARENCHYMAL DISORDER IV; JOUBERT-BOLTSHAUSER SYNDROME; Familial aplasia of the vermis. Identifiers: Orphanet 475, MedGen C5979921, MONDO:0018772.
Meckel-Gruber syndrome. Also called: DYSENCEPHALIA SPLANCHNOCYSTICA; GRUBER SYNDROME; Dysencephalia splachnocystica. Identifiers: Orphanet 564, MedGen C0265215, MONDO:0018921.
Inborn genetic diseases. Identifiers: MedGen C0950123, MeSH D030342.

Allele frequency attached by ClinVar (database versions not stated): ExAC 0.00001; gnomAD 0.00001; gnomAD exomes below 0.00001.
gnomAD v4.1: 4 of 1,614,056 alleles (0.00025%); highest among the groups gnomAD compares: African/African-American, 0.0053%; no homozygotes.

Submissions (2):

Ambry Genetics
Classification: Uncertain significance for Inborn genetic diseases. Last evaluated: 2025-08-22. Review status: criteria provided, single submitter. Criteria: Ambry Variant Classification Scheme 2023. Collection method: clinical testing. Allele origin: germline.

Labcorp Genetics (formerly Invitae), Labcorp
Classification: Uncertain significance for Joubert syndrome; Meckel-Gruber syndrome. Last evaluated: 2023-08-04. Review status: criteria provided, single submitter. Criteria: Invitae Variant Classification Sherloc (09022015). Collection method: clinical testing. Allele origin: germline.
Comment: This sequence change replaces aspartic acid, which is acidic and polar, with alanine, which is neutral and non-polar, at codon 80 of the TCTN2 protein (p.Asp80Ala). The frequency data for this variant in the population databases is considered unreliable, as metrics indicate poor data quality at this position in the gnomAD database. This variant has not been reported in the literature in individuals affected with TCTN2-related conditions. ClinVar contains an entry for this variant (Variation ID: 2143925). Advanced modeling of protein sequence and biophysical properties (such as structural, functional, and spatial information, amino acid conservation, physicochemical variation, residue mobility, and thermodynamic stability) performed at Invitae indicates that this missense variant is not expected to disrupt TCTN2 protein function. In summary, the available evidence is currently insufficient to determine the role of this variant in disease. Therefore, it has been classified as a Variant of Uncertain Significance.